The following is an entry in ClinVar:

NM_000051.4(ATM):c.3543A>G (p.Lys1181=)

Gene: ATM (ATM serine/threonine kinase; plus strand). Cytogenetic location: 11q22.3.
Variant type: single nucleotide variant.
Coding change: c.3543A>G on transcript NM_000051.4 (MANE Select); coding-DNA position 3543, A replaced by G.
Protein change: p.Lys1181=; no amino-acid change (lysine 1181 retained).
Molecular consequence: synonymous variant.
Genome position (GRCh38, 1-based): chr11:108,281,135, A>G. VCF-style: chr11-108281135-A-G. GRCh37 (hg19) VCF-style: chr11-108151862-A-G.
Other names: c.3543A>G, p.Lys1181= (NM_001351834.2).
Identifiers: ClinVar variation 453474 (VCV000453474.14), dbSNP rs1555091382, ClinGen allele CA476672956.

ClinVar aggregate classification (germline): Benign/Likely benign. Review status: criteria provided, multiple submitters, no conflicts (2 of 4 stars). 4 submissions from 4 submitters: Benign (1); Likely benign (3). Last evaluated 2024-05-14.

Conditions:
Hereditary cancer-predisposing syndrome. Also called: Tumor predisposition; Hereditary Cancer Syndrome; Neoplastic Syndromes, Hereditary; Hereditary neoplastic syndrome. Identifiers: Orphanet 140162, MedGen C0027672, MeSH D009386, MONDO:0015356.
Familial cancer of breast. Also called: Hereditary breast cancer; hereditary breast carcinoma; BREAST CANCER, FAMILIAL. Identifiers: Orphanet 227535, MedGen C0346153, MONDO:0016419, OMIM 114480. Disease mechanism: loss of function.
Ataxia-telangiectasia syndrome (AT). Also called: Cerebello-oculocutaneous telangiectasia; Immunodeficiency with ataxia telangiectasia; Ataxia-telangiectasia, complementation group D; AT, COMPLEMENTATION GROUP C; Ataxia-telangiectasia, complementation group E; LOUIS-BAR SYNDROME. Identifiers: Orphanet 100, MedGen C0004135, MONDO:0008840, OMIM 208900.

Submissions (4):

Labcorp Genetics (formerly Invitae), Labcorp
Classification: Likely benign for Ataxia-telangiectasia syndrome. Last evaluated: 2024-05-14. Review status: criteria provided, single submitter. Criteria: Invitae Variant Classification Sherloc (09022015). Collection method: clinical testing. Allele origin: germline.

Myriad Genetics, Inc.
Classification: Benign for Familial cancer of breast. Last evaluated: 2024-05-14. Review status: criteria provided, single submitter. Criteria: Myriad Autosomal Dominant, Autosomal Recessive and X-Linked Classification Criteria (2023). Collection method: clinical testing. Allele origin: unknown.
Comment: This variant is considered benign. This variant is a silent/synonymous amino acid change and it is not expected to impact splicing.

Ambry Genetics
Classification: Likely benign for Hereditary cancer-predisposing syndrome. Last evaluated: 2021-10-11. Review status: criteria provided, single submitter. Criteria: Ambry Variant Classification Scheme 2023. Collection method: clinical testing. Allele origin: germline.

Color Diagnostics, LLC DBA Color Health
Classification: Likely benign for Hereditary cancer-predisposing syndrome. Last evaluated: 2016-07-22. Review status: criteria provided, single submitter. Criteria: ACMG Guidelines, 2015. Collection method: clinical testing. Allele origin: germline.